The following is an entry in ClinVar:

ClinVar aggregate classification (germline): Conflicting classifications of pathogenicity. Review status: criteria provided, conflicting classifications (1 of 4 stars). 5 submissions from 5 submitters: Uncertain significance (2); Likely benign (1). 2 of the submissions do not count toward it. Last evaluated 2025-07-21.

Conditions:
Inborn genetic diseases. Identifiers: MedGen C0950123, MeSH D030342.
Fanconi anemia complementation group A (FANCA). Also called: FANCA-Related Fanconi Anemia; Fanconi anemia, group A. Identifiers: Orphanet 84, MedGen C3469521, MONDO:0009215, OMIM 227650.
FANCA-related disorder. Also called: FANCA-related condition.
Fanconi anemia (FA). Also called: Fanconi's anemia. Identifiers: Orphanet 84, MedGen C0015625, MeSH D005199, MONDO:0019391.

Allele frequency attached by ClinVar (database versions not stated): gnomAD 0.00001; gnomAD exomes 0.00004; ExAC 0.00006.
gnomAD v4.1: 16 of 1,614,024 alleles (0.00099%); highest among the groups gnomAD compares: Admixed American, 0.012%; 1 homozygote.

Submissions (5):

Labcorp Genetics (formerly Invitae), Labcorp
Classification: Likely benign for Fanconi anemia. Last evaluated: 2025-07-21. Review status: criteria provided, single submitter. Criteria: Invitae Variant Classification Sherloc (09022015). Collection method: clinical testing. Allele origin: germline.

Ambry Genetics
Classification: Uncertain significance for Inborn genetic diseases. Last evaluated: 2025-05-06. Review status: criteria provided, single submitter. Criteria: Ambry Variant Classification Scheme 2023. Collection method: clinical testing. Allele origin: germline.
Comment: The p.P709A variant (also known as c.2125C>G), located in coding exon 23 of the FANCA gene, results from a C to G substitution at nucleotide position 2125. The proline at codon 709 is replaced by alanine, an amino acid with highly similar properties. This amino acid position is conserved. In addition, this alteration is predicted to be tolerated by in silico analysis. Based on the available evidence, the clinical significance of this variant remains unclear.

Fulgent Genetics
Classification: Uncertain significance for Fanconi anemia complementation group A. Last evaluated: 2021-12-02. Review status: criteria provided, single submitter. Criteria: ACMG Guidelines, 2015. Collection method: clinical testing. Allele origin: unknown.

PreventionGenetics, part of Exact Sciences
Classification: Uncertain significance for FANCA-related condition. Last evaluated: 2024-05-25. Review status: no assertion criteria provided. Collection method: clinical testing. Allele origin: germline. Not counted in ClinVar's aggregate classification.
Comment: The FANCA c.2125C>G variant is predicted to result in the amino acid substitution p.Pro709Ala. To our knowledge, this variant has not been reported in the literature. This variant is reported in 0.017% of alleles in individuals of Latino descent in gnomAD. At this time, the clinical significance of this variant is uncertain due to the absence of conclusive functional and genetic evidence.

Natera, Inc.
Classification: Uncertain significance for Fanconi anemia. Last evaluated: 2020-08-24. Review status: no assertion criteria provided. Collection method: clinical testing. Allele origin: germline. Not counted in ClinVar's aggregate classification.

NM_000135.4(FANCA):c.2125C>G (p.Pro709Ala)

Gene: FANCA (FA complementation group A; minus strand). Cytogenetic location: 16q24.3.
Variant type: single nucleotide variant.
Coding change: c.2125C>G on transcript NM_000135.4 (MANE Select); coding-DNA position 2125, C replaced by G.
Protein change: p.Pro709Ala; replaces proline 709 with alanine.
Molecular consequence: missense variant.
Genome position (GRCh38, 1-based): chr16:89,771,704, G>C on the plus strand (C>G on the coding strand, the complement: FANCA is on the minus strand). VCF-style: chr16-89771704-G-C. GRCh37 (hg19) VCF-style: chr16-89838112-G-C.
Other names: c.2125C>G, p.Pro709Ala (NM_001286167.3); c.2125C>G (NM_000135.2); short protein forms P709A.
Identifiers: ClinVar variation 1059778 (VCV001059778.12), dbSNP rs746373917, ClinGen allele CA8251901.
Genomic context (GRCh38, chr16:89,771,704, plus strand): 5'-GACCCCCTGCTTTGTTCTGAGCCCCTACACCTACCATGTGTTCCCGTGGCTCCAGTCTCG[G>C]CGTGTTGATGCTGAGCTGAATCTTTGATATCTCAACGCTGCTGTCATCCTCATTGTGGCC-3'
Protein context (NP_000126.2, residues 699-719): ISKIQLSINT[Pro709Ala]RLEPREHMAV